The following is an entry in ClinVar:

NC_012920.1(MT-ND5):m.12950A>C

Gene: MT-ND5 (mitochondrially encoded NADH dehydrogenase 5; plus strand).
Variant type: single nucleotide variant.
Genome position: chrM-12950-A-C.
Identifiers: ClinVar variation 693505 (VCV000693505.1), dbSNP rs201361958, ClinGen allele CA337099583.

ClinVar aggregate classification (germline): Benign (1 of 4 stars; one submission).

Conditions:
Leigh syndrome (NULS). Also called: Leigh's necrotizing encephalopathy; Leigh's disease; Leigh Syndrome (mtDNA deletion); Leigh Disease; Subacute necrotizing encephalopathy; Necrotizing encephalopathy infantile subacute of Leigh. Identifiers: Orphanet 506, MedGen C2931891, MONDO:0009723, OMIM 256000.

Submission:

Wong Mito Lab, Molecular and Human Genetics, Baylor College of Medicine
Classification: Benign for Leigh syndrome. Last evaluated: 2019-10-17. Review status: criteria provided, single submitter. Criteria: Modified ACMG Guidelines (Unpublished). Collection method: clinical testing. Allele origin: germline.
Comment: The NC_012920.1:m.12950A>C (YP_003024036.1:p.Asn205Thr) variant in MTND5 gene is interpretated to be a Benign variant based on the modified ACMG guidelines (unpublished). This variant meets the following evidence codes: BS1, BS2, BP4

Literature cited by the submitters: PubMed 17264866.